The following is an entry in ClinVar:

NM_004963.4(GUCY2C):c.337C>T (p.Gln113Ter)

Genes: GUCY2C (guanylate cyclase 2C; minus strand), GUCY2C-AS1 (GUCY2C antisense RNA 1; plus strand). Cytogenetic location: 12p12.3.
Variant type: single nucleotide variant.
Coding change: c.337C>T on transcript NM_004963.4 (MANE Select); coding-DNA position 337, C replaced by T.
Protein change: p.Gln113Ter; replaces glutamine 113 with a stop codon.
Molecular consequence: nonsense.
Genome position (GRCh38, 1-based): chr12:14,686,219, G>A on the plus strand (C>T on the coding strand, the complement: GUCY2C is on the minus strand). VCF-style: chr12-14686219-G-A. GRCh37 (hg19) VCF-style: chr12-14839153-G-A.
Other names: short protein forms Q113*.
Identifiers: ClinVar variation 2759987 (VCV002759987.3), dbSNP rs2497813989, ClinGen allele CA384006909.
Genomic context (GRCh38, chr12:14,686,219, plus strand): 5'-ACTACATCTGGAAGGTGGAGTATGTACATGAGGGCCCTATGAGGACACAGCCCATCCGTT[G>A]TGCATTCTGTAGGAGAGAAAACAACAATGAATTCCTAGAACTAAGAAAAATACTCAGTGG-3'

ClinVar aggregate classification (germline): Uncertain significance (1 of 4 stars; one submission).

Submission:

Labcorp Genetics (formerly Invitae), Labcorp
Classification: Uncertain significance. Last evaluated: 2023-09-12. Review status: criteria provided, single submitter. Criteria: Invitae Variant Classification Sherloc (09022015). Collection method: clinical testing. Allele origin: germline.
Comment: In summary, the available evidence is currently insufficient to determine the role of this variant in disease. Therefore, it has been classified as a Variant of Uncertain Significance. This variant has not been reported in the literature in individuals affected with GUCY2C-related conditions. This variant is not present in population databases (gnomAD no frequency). This sequence change creates a premature translational stop signal (p.Gln113*) in the GUCY2C gene. It is expected to result in an absent or disrupted protein product. However, the current clinical and genetic evidence is not sufficient to establish whether loss-of-function variants in GUCY2C cause disease.